The following is an entry in ClinVar:

NM_000478.6(ALPL):c.544del (p.Ala182fs)

Gene: ALPL (alkaline phosphatase, biomineralization associated; plus strand). Cytogenetic location: 1p36.12.
Variant type: Deletion.
Coding change: c.544del on transcript NM_000478.6 (MANE Select); coding-DNA position 544, one base deleted (G; older notation c.544delG).
Protein change: p.Ala182fs; shifts the reading frame from alanine 182.
Molecular consequence: frameshift variant.
Genome position (GRCh38, 1-based): chr1:21,564,112, G deleted; the last of 2 consecutive G bases (chr1:21,564,111-21,564,112); deleting either gives the same sequence. VCF-style (leftmost placement, unchanged base first): chr1-21564110-CG-C. GRCh37 (hg19) VCF-style: chr1-21890603-CG-C.
Other names: c.379del, p.Ala127fs (NM_001127501.4); c.313del, p.Ala105fs (NM_001177520.3); c.544del, p.Ala182fs (NM_001369803.2, NM_001369804.2, NM_001369805.2); short protein forms A105fs, A127fs, A182fs.
Identifiers: ClinVar variation 4086816 (VCV004086816.1).
Genomic context (GRCh38, chr1:21,564,110, plus strand): 5'-TGGGCATTGTGACCACCACGAGAGTGAACCATGCCACCCCCAGCGCCGCCTACGCCCACT[CG>C]GCTGACCGGGACTGGTACTCAGACAACGAGATGCCCCCTGAGGCCTTGAGCCAGGGCTGT-3'

ClinVar aggregate classification (germline): Pathogenic (1 of 4 stars; one submission).

Conditions:
Hypophosphatasia. Also called: Phosphoethanol-aminuria. Identifiers: Orphanet 436, MedGen C0020630, MeSH D007014, MONDO:0018570.

Submission:

Genomenon, Inc
Classification: Pathogenic for Hypophosphatasia. Last evaluated: 2025-08-29. Review status: criteria provided, single submitter. Criteria: Genomenon Sequence Variant Interpretation Standards. Collection method: curation. Allele origin: germline. Affected: yes.
Comment: ALPL p.Ala182LeufsTer16 (c.544del) is a frameshift variant that results in the production of a truncated protein which is predicted to undergo nonsense-mediated mRNA decay. This variant has been observed in at least one proband affected with hypophosphatasia (PMID:10332035;18925618;10094560). It is absent or not present at a significant frequency in gnomAD. In conclusion, we classify ALPL p.Ala182LeufsTer16 (c.544del) as a pathogenic variant.

Literature cited by the submitters: PubMed 10332035; PubMed 18925618; PubMed 10094560.